The following is an entry in ClinVar:

NM_004168.4(SDHA):c.813C>T (p.Thr271=)

Gene: SDHA (succinate dehydrogenase complex flavoprotein subunit A; plus strand). Cytogenetic location: 5p15.33.
Variant type: single nucleotide variant.
Coding change: c.813C>T on transcript NM_004168.4 (MANE Select); coding-DNA position 813, C replaced by T.
Protein change: p.Thr271=; no amino-acid change (threonine 271 retained).
Molecular consequence: synonymous variant.
Genome position (GRCh38, 1-based): chr5:230,918, C>T. VCF-style: chr5-230918-C-T. GRCh37 (hg19) VCF-style: chr5-231033-C-T.
Other names: c.669C>T, p.Thr223= (NM_001294332.2); c.813C>T, p.Thr271= (NM_001330758.2).
Identifiers: ClinVar variation 3904610 (VCV003904610.1).

ClinVar aggregate classification (germline): Benign (1 of 4 stars; one submission).

Conditions:
Pheochromocytoma/paraganglioma syndrome 5. Also called: Paragangliomas 5; SDHA-Related Hereditary Paraganglioma-Pheochromocytoma Syndrome. Identifiers: Orphanet 29072, MedGen C3279992, MONDO:0013602, OMIM 614165.

Submission:

Myriad Genetics, Inc.
Classification: Benign for Pheochromocytoma/paraganglioma syndrome 5. Last evaluated: 2025-03-03. Review status: criteria provided, single submitter. Criteria: Myriad Autosomal Dominant, Autosomal Recessive and X-Linked Classification Criteria (2023). Collection method: clinical testing. Allele origin: unknown.
Comment: This variant is considered benign. This variant is a silent/synonymous amino acid change and it is not expected to impact splicing.